The following is an entry in ClinVar:

ClinVar aggregate classification (germline): Uncertain significance (1 of 4 stars; one submission).

Conditions:
Amyotrophic lateral sclerosis type 21. Also called: MYOPATHY, DISTAL, 2; VOCAL CORD AND PHARYNGEAL DYSFUNCTION WITH DISTAL MYOPATHY. Identifiers: Orphanet 600, Orphanet 803, MedGen C3807521, MONDO:0011632, OMIM 606070.

Submission:

Labcorp Genetics (formerly Invitae), Labcorp
Classification: Uncertain significance for Amyotrophic lateral sclerosis type 21. Last evaluated: 2025-06-29. Review status: criteria provided, single submitter. Criteria: Invitae Variant Classification Sherloc (09022015). Collection method: clinical testing. Allele origin: germline.
Comment: This sequence change replaces serine, which is neutral and polar, with asparagine, which is neutral and polar, at codon 823 of the MATR3 protein (p.Ser823Asn). This variant is not present in population databases (gnomAD no frequency). This variant has not been reported in the literature in individuals affected with MATR3-related conditions. An algorithm developed to predict the effect of missense changes on protein structure and function (PolyPhen-2) suggests that this variant is likely to be disruptive. In summary, the available evidence is currently insufficient to determine the role of this variant in disease. Therefore, it has been classified as a Variant of Uncertain Significance.

NM_018834.6(MATR3):c.2468G>A (p.Ser823Asn)

Gene: MATR3 (matrin 3; plus strand). Cytogenetic location: 5q31.2.
Variant type: single nucleotide variant.
Coding change: c.2468G>A on transcript NM_018834.6 (MANE Select); coding-DNA position 2468, G replaced by A.
Protein change: p.Ser823Asn; replaces serine 823 with asparagine.
Molecular consequence: missense variant.
Genome position (GRCh38, 1-based): chr5:139,326,259, G>A. VCF-style: chr5-139326259-G-A. GRCh37 (hg19) VCF-style: chr5-138661948-G-A.
Other names: c.2468G>A, p.Ser823Asn (NM_001194954.2, NM_001194955.2, NM_001400447.1 and 11 more transcripts); c.1604G>A, p.Ser535Asn (NM_001194956.2); c.1454G>A, p.Ser485Asn (NM_001282278.2, NM_001400462.1, NM_001400463.1 and 4 more transcripts); c.2612G>A, p.Ser871Asn (NM_001400441.1, NM_001400442.1, NM_001400443.1 and 2 more transcripts); c.1607G>A, p.Ser536Asn (NM_001400459.1); c.1598G>A, p.Ser533Asn (NM_001400460.1); c.1568G>A, p.Ser523Asn (NM_001400461.1); short protein forms S871N, S536N, S485N, S523N, S533N, S535N, S823N.
Identifiers: ClinVar variation 4721876 (VCV004721876.1).